The following is an entry in ClinVar:

ClinVar aggregate classification (germline): Likely benign. Review status: criteria provided, multiple submitters, no conflicts (2 of 4 stars). 4 submissions from 4 submitters: Likely benign (4). Last evaluated 2026-01-18.

gnomAD v4.1: 12 of 1,614,002 alleles (0.00074%); highest among the groups gnomAD compares: Non-Finnish European, 0.00085%; no homozygotes.

Submissions (4):

Labcorp Genetics (formerly Invitae), Labcorp
Classification: Likely benign. Last evaluated: 2026-01-18. Review status: criteria provided, single submitter. Criteria: Invitae Variant Classification Sherloc (09022015). Collection method: clinical testing. Allele origin: germline.

Laboratory of Genetics, Children's Clinical University Hospital Latvia
Classification: Likely benign. Last evaluated: 2025-02-16. Review status: criteria provided, single submitter. Criteria: ACMG Guidelines, 2015. Collection method: clinical testing. Allele origin: germline. Affected: yes.

CeGaT Center for Human Genetics Tuebingen
Classification: Likely benign. Last evaluated: 2024-02-01. Review status: criteria provided, single submitter. Criteria: CeGaT Center For Human Genetics Tuebingen Variant Classification Criteria Version 2. Collection method: clinical testing. Allele origin: germline. Affected: yes. Observed: 1 variant allele.
Comment: LRP2: BP4

Blueprint Genetics
Classification: Likely benign. Last evaluated: 2022-02-05. Review status: criteria provided, single submitter. Criteria: ACMG Guidelines, 2015. Collection method: clinical testing. Allele origin: germline.

NM_004525.3(LRP2):c.8699-8C>G

Gene: LRP2 (LDL receptor related protein 2; minus strand). Cytogenetic location: 2q31.1.
Variant type: single nucleotide variant.
Coding change: c.8699-8C>G on transcript NM_004525.3 (MANE Select); 8 bases into the intron before coding-DNA position 8699, C replaced by G.
Molecular consequence: intron variant.
Genome position (GRCh38, 1-based): chr2:169,193,900, G>C on the plus strand (C>G on the coding strand, the complement: LRP2 is on the minus strand). VCF-style: chr2-169193900-G-C. GRCh37 (hg19) VCF-style: chr2-170050410-G-C.
Identifiers: ClinVar variation 1579013 (VCV001579013.32), dbSNP rs145301652, ClinGen allele CA1953772.